The following is an entry in ClinVar:

NM_024675.4(PALB2):c.1870C>A (p.Leu624Ile)

Gene: PALB2 (partner and localizer of BRCA2; minus strand). Cytogenetic location: 16p12.2.
Variant type: single nucleotide variant.
Coding change: c.1870C>A on transcript NM_024675.4 (MANE Select); coding-DNA position 1870, C replaced by A.
Protein change: p.Leu624Ile; replaces leucine 624 with isoleucine.
Molecular consequence: missense variant.
Genome position (GRCh38, 1-based): chr16:23,630,284, G>T on the plus strand (C>A on the coding strand, the complement: PALB2 is on the minus strand). VCF-style: chr16-23630284-G-T. GRCh37 (hg19) VCF-style: chr16-23641605-G-T.
Other names: short protein forms L624I.
Identifiers: ClinVar variation 1019727 (VCV001019727.9), dbSNP rs1555460610, ClinGen allele CA395127693.

ClinVar aggregate classification (germline): Uncertain significance (1 of 4 stars; one submission).

Conditions:
Familial cancer of breast. Also called: Hereditary breast cancer; BREAST CANCER, FAMILIAL; hereditary breast carcinoma. Identifiers: Orphanet 227535, MedGen C0346153, MONDO:0016419, OMIM 114480. Disease mechanism: loss of function.

Submission:

Labcorp Genetics (formerly Invitae), Labcorp
Classification: Uncertain significance for Familial cancer of breast. Last evaluated: 2025-09-07. Review status: criteria provided, single submitter. Criteria: Invitae Variant Classification Sherloc (09022015). Collection method: clinical testing. Allele origin: germline.
Comment: This sequence change replaces leucine, which is neutral and non-polar, with isoleucine, which is neutral and non-polar, at codon 624 of the PALB2 protein (p.Leu624Ile). This variant is not present in population databases (gnomAD no frequency). This variant has not been reported in the literature in individuals affected with PALB2-related conditions. ClinVar contains an entry for this variant (Variation ID: 1019727). Invitae Evidence Modeling of protein sequence and biophysical properties (such as structural, functional, and spatial information, amino acid conservation, physicochemical variation, residue mobility, and thermodynamic stability) indicates that this missense variant is expected to disrupt PALB2 protein function with a positive predictive value of 80%. In summary, the available evidence is currently insufficient to determine the role of this variant in disease. Therefore, it has been classified as a Variant of Uncertain Significance.